The following is an entry in ClinVar:

ClinVar aggregate classification (germline): Uncertain significance (1 of 4 stars; one submission).

Conditions:
Leigh syndrome (NULS). Also called: Leigh's necrotizing encephalopathy; Leigh's disease; Leigh Syndrome (mtDNA deletion); Leigh Disease; Subacute necrotizing encephalopathy; Necrotizing encephalopathy infantile subacute of Leigh. Identifiers: Orphanet 506, MedGen C2931891, MONDO:0009723, OMIM 256000.

Submission:

Wong Mito Lab, Molecular and Human Genetics, Baylor College of Medicine
Classification: Uncertain significance for Leigh syndrome. Last evaluated: 2019-10-17. Review status: criteria provided, single submitter. Criteria: Modified ACMG Guidelines (Unpublished). Collection method: clinical testing. Allele origin: germline.
Comment: The NC_012920.1:m.8906A>C (YP_003024031.1:p.His127Pro) variant in MTATP6 gene is interpretated to be a Uncertain Significance variant based on the modified ACMG guidelines (unpublished). This variant meets the following evidence codes: PP3, PP7

NC_012920.1(MT-ATP6):m.8906A>C

Gene: MT-ATP6 (mitochondrially encoded ATP synthase 6; plus strand).
Variant type: single nucleotide variant.
Genome position: chrM-8906-A-C.
Identifiers: ClinVar variation 693019 (VCV000693019.1), dbSNP rs1603221897, ClinGen allele CA414798844.
Genomic context (GRCh38, chrMT:8,906, plus strand): 5'-CCTTATGAGCGGGCACAGTGATTATAGGCTTTCGCTCTAAGATTAAAAATGCCCTAGCCC[A>C]CTTCTTACCACAAGGCACACCTACACCCCTTATCCCCATACTAGTTATTATCGAAACCAT-3'